The following is an entry in ClinVar:

ClinVar aggregate classification (germline): Uncertain significance (1 of 4 stars; one submission).

Allele frequency attached by ClinVar (database versions not stated): gnomAD exomes 0.00002.
gnomAD v4.1: 9 of 1,613,924 alleles (0.00056%); highest among the groups gnomAD compares: Admixed American, 0.0017%; no homozygotes.

Submission:

Labcorp Genetics (formerly Invitae), Labcorp
Classification: Uncertain significance. Last evaluated: 2022-07-03. Review status: criteria provided, single submitter. Criteria: Invitae Variant Classification Sherloc (09022015). Collection method: clinical testing. Allele origin: germline.
Comment: In summary, the available evidence is currently insufficient to determine the role of this variant in disease. Therefore, it has been classified as a Variant of Uncertain Significance. Algorithms developed to predict the effect of missense changes on protein structure and function output the following: SIFT: "Tolerated"; PolyPhen-2: "Benign"; Align-GVGD: "Class C0". The threonine amino acid residue is found in multiple mammalian species, which suggests that this missense change does not adversely affect protein function. This variant has not been reported in the literature in individuals affected with ADAMTS10-related conditions. This variant is present in population databases (no rsID available, gnomAD 0.003%). This sequence change replaces alanine, which is neutral and non-polar, with threonine, which is neutral and polar, at codon 820 of the ADAMTS10 protein (p.Ala820Thr).

NM_030957.4(ADAMTS10):c.2458G>A (p.Ala820Thr)

Gene: ADAMTS10 (ADAM metallopeptidase with thrombospondin type 1 motif 10; minus strand). Cytogenetic location: 19p13.2.
Variant type: single nucleotide variant.
Coding change: c.2458G>A on transcript NM_030957.4 (MANE Select); coding-DNA position 2458, G replaced by A.
Protein change: p.Ala820Thr; replaces alanine 820 with threonine.
Molecular consequence: missense variant.
Genome position (GRCh38, 1-based): chr19:8,586,416, C>T on the plus strand (G>A on the coding strand, the complement: ADAMTS10 is on the minus strand). VCF-style: chr19-8586416-C-T. GRCh37 (hg19) VCF-style: chr19-8651300-C-T.
Other names: c.919G>A, p.Ala307Thr (NM_001282352.2); short protein forms A307T, A820T.
Identifiers: ClinVar variation 1948599 (VCV001948599.4), dbSNP rs1555737189, ClinGen allele CA403749749.